The following is an entry in ClinVar:

NM_000064.4(C3):c.3131G>C (p.Gly1044Ala)

Gene: C3 (complement C3; minus strand). Cytogenetic location: 19p13.3.
Variant type: single nucleotide variant.
Coding change: c.3131G>C on transcript NM_000064.4 (MANE Select); coding-DNA position 3131, G replaced by C.
Protein change: p.Gly1044Ala; replaces glycine 1044 with alanine.
Molecular consequence: missense variant.
Genome position (GRCh38, 1-based): chr19:6,694,454, C>G on the plus strand (G>C on the coding strand, the complement: C3 is on the minus strand). VCF-style: chr19-6694454-C-G. GRCh37 (hg19) VCF-style: chr19-6694465-C-G.
Other names: short protein forms G1044A.
Identifiers: ClinVar variation 4743070 (VCV004743070.1).

ClinVar aggregate classification (germline): Uncertain significance (1 of 4 stars; one submission).

gnomAD v4.1: 1 of 1,614,102 alleles (0.000062%); highest among the groups gnomAD compares: African/African-American, 0.0013%; no homozygotes.

Submission:

Labcorp Genetics (formerly Invitae), Labcorp
Classification: Uncertain significance. Last evaluated: 2025-02-26. Review status: criteria provided, single submitter. Criteria: Invitae Variant Classification Sherloc (09022015). Collection method: clinical testing. Allele origin: germline.
Comment: This sequence change replaces glycine, which is neutral and non-polar, with alanine, which is neutral and non-polar, at codon 1044 of the C3 protein (p.Gly1044Ala). This variant is not present in population databases (gnomAD no frequency). This variant has not been reported in the literature in individuals affected with C3-related conditions. Invitae Evidence Modeling of protein sequence and biophysical properties (such as structural, functional, and spatial information, amino acid conservation, physicochemical variation, residue mobility, and thermodynamic stability) indicates that this missense variant is not expected to disrupt C3 protein function with a negative predictive value of 80%. In summary, the available evidence is currently insufficient to determine the role of this variant in disease. Therefore, it has been classified as a Variant of Uncertain Significance.